The following is an entry in ClinVar:

ClinVar aggregate classification (germline): Conflicting classifications of pathogenicity. Review status: criteria provided, conflicting classifications (1 of 4 stars). 6 submissions from 6 submitters: Uncertain significance (5); Likely benign (1). Last evaluated 2025-12-15.

Conditions:
Inborn genetic diseases. Identifiers: MedGen C0950123, MeSH D030342.
Nemaline myopathy 2 (NEM2). Also called: Nemaline myopathy 2, autosomal recessive. Identifiers: MedGen C1850569, MONDO:0009725, OMIM 256030.

Allele frequency attached by ClinVar (database versions not stated): gnomAD exomes 0.00001; gnomAD 0.00002; TOPMed 0.00002.
gnomAD v4.1: 33 of 1,613,810 alleles (0.002%); highest among the groups gnomAD compares: Middle Eastern, 0.049%; no homozygotes.

Submissions (6):

Labcorp Genetics (formerly Invitae), Labcorp
Classification: Likely benign for Nemaline myopathy 2. Last evaluated: 2025-12-15. Review status: criteria provided, single submitter. Criteria: Invitae Variant Classification Sherloc (09022015). Collection method: clinical testing. Allele origin: germline.

Ambry Genetics
Classification: Uncertain significance for Inborn genetic diseases. Last evaluated: 2025-08-13. Review status: criteria provided, single submitter. Criteria: Ambry Variant Classification Scheme 2023. Collection method: clinical testing. Allele origin: germline.

Blueprint Genetics
Classification: Uncertain significance. Last evaluated: 2024-10-15. Review status: criteria provided, single submitter. Criteria: ACMG Guidelines, 2015. Collection method: clinical testing. Allele origin: germline.

GeneDx
Classification: Uncertain significance. Last evaluated: 2024-09-05. Review status: criteria provided, single submitter. Criteria: GeneDx Variant Classification Process June 2021. Collection method: clinical testing. Allele origin: germline. Affected: yes.
Comment: Not observed at significant frequency in large population cohorts (gnomAD); In silico analysis indicates that this missense variant does not alter protein structure/function; Has not been previously published as pathogenic or benign to our knowledge

Revvity Omics, Revvity
Classification: Uncertain significance. Last evaluated: 2024-06-27. Review status: criteria provided, single submitter. Criteria: ACMG Guidelines, 2015. Collection method: clinical testing. Allele origin: germline.

Illumina Laboratory Services, Illumina
Classification: Uncertain significance for Nemaline myopathy 2. Last evaluated: 2018-01-12. Review status: criteria provided, single submitter. Criteria: ICSL Variant Classification Criteria 13 December 2019. Collection method: clinical testing. Allele origin: germline.

NM_001164508.2(NEB):c.25028G>A (p.Arg8343Gln)

Genes: NEB (nebulin; minus strand), RIF1 (replication timing regulatory factor 1; plus strand). Cytogenetic location: 2q23.3.
Variant type: single nucleotide variant.
Coding change: c.25028G>A on transcript NM_001164508.2 (MANE Select); coding-DNA position 25028, G replaced by A.
Protein change: p.Arg8343Gln; replaces arginine 8343 with glutamine.
Molecular consequence: missense variant.
Genome position (GRCh38, 1-based): chr2:151,492,127, C>T on the plus strand (G>A on the coding strand, the complement: NEB is on the minus strand). VCF-style: chr2-151492127-C-T. GRCh37 (hg19) VCF-style: chr2-152348641-C-T.
Other names: c.25028G>A, p.Arg8343Gln (NM_001164507.2); c.25133G>A, p.Arg8378Gln (NM_001271208.2); c.19460G>A, p.Arg6487Gln (NM_004543.5); c.25133G>A (NM_001271208.1); short protein forms R6487Q, R8378Q, R8343Q.
Identifiers: ClinVar variation 331405 (VCV000331405.14), dbSNP rs886054926, ClinGen allele CA10612386.